The following is an entry in ClinVar:

ClinVar aggregate classification (germline): Likely pathogenic (1 of 4 stars; one submission).

Conditions:
Hypertrophic cardiomyopathy. Also called: HYPERTROPHIC MYOCARDIOPATHY. Identifiers: Orphanet 217569, MedGen C0007194, MeSH D002312, MONDO:0005045, HP:0001639.

Submission:

Petrovsky National Research Centre of Surgery, The Federal Agency for Scientific Organizations
Classification: Likely pathogenic for Hypertrophic cardiomyopathy. Last evaluated: 2022-11-02. Review status: criteria provided, single submitter. Criteria: ACMG Guidelines, 2015. Collection method: clinical testing. Allele origin: de novo. Affected: yes. Observed: 1 heterozygote.
Comment: Asymmetric non-obstructive hypertrophy of the interventricular septum (IVS) was the only finding during the autopsy. This variant is absent in the gnomAD database (last accessed 02-11-2022). Therefore, we classify this variant as Likely Pathogenic (Class IV) according to ACMG (2015) criteria.

NM_001018005.2(TPM1):c.656A>T (p.Asp219Val)

Gene: TPM1 (tropomyosin 1; plus strand). Cytogenetic location: 15q22.2.
Variant type: single nucleotide variant.
Coding change: c.656A>T on transcript NM_001018005.2 (MANE Select); coding-DNA position 656, A replaced by T.
Protein change: p.Asp219Val; replaces aspartic acid 219 with valine.
Molecular consequence: missense variant.
Genome position (GRCh38, 1-based): chr15:63,062,231, A>T. VCF-style: chr15-63062231-A-T. GRCh37 (hg19) VCF-style: chr15-63354430-A-T.
Other names: p.D219V; c.656A>T, p.Asp219Val (NM_000366.6, NM_001018004.2, NM_001018006.2 and 20 more transcripts); c.548A>T, p.Asp183Val (NM_001018008.2, NM_001301289.2, NM_001330344.2 and 9 more transcripts); c.782A>T, p.Asp261Val (NM_001407324.1, NM_001365778.1, NM_001407322.1 and 1 more transcripts); short protein forms D183V, D219V, D261V.
Identifiers: ClinVar variation 1727219 (VCV001727219.2), dbSNP rs2140969490, ClinGen allele CA392724418.